The following is an entry in ClinVar:

ClinVar aggregate classification (germline): Conflicting classifications of pathogenicity. Review status: criteria provided, conflicting classifications (1 of 4 stars). 3 submissions from 3 submitters: Likely pathogenic (1); Uncertain significance (1). 1 of the submissions does not count toward it. Last evaluated 2024-09-19.

Conditions:
Pontocerebellar hypoplasia type 6 (PCH6). Identifiers: Orphanet 166073, MedGen C1969084, MONDO:0012683, OMIM 611523.

Allele frequency attached by ClinVar (database versions not stated): TOPMed below 0.00001; ExAC 0.00001; gnomAD 0.00001; gnomAD exomes 0.00001.
gnomAD v4.1: 18 of 1,613,856 alleles (0.0011%); highest among the groups gnomAD compares: East Asian, 0.0067%; no homozygotes.

Submissions (3):

Natera, Inc.
Classification: Likely pathogenic for Pontocerebellar hypoplasia, type 6. Last evaluated: 2024-09-19. Review status: criteria provided, single submitter. Criteria: Natera Variant Classification Schema (03/2026). Collection method: clinical testing. Allele origin: germline.
Comment: The c.1369G>A variant in RARS2 is a missense variant predicted to cause substitution of glycine to arginine at amino acid 457. This variant is rare in the general population with a frequency below the threshold expected for the associated phenotype(s). This variant has been observed in one or more individuals affected with the associated recessive disease, as either homozygous or compound heterozygous with a second variant (PMID: 35468344, 37597066). This variant has been identified in one or more affected individual with a phenotype highly consistent with the associated gene (PMID: 35468344, 37597066). Computational prediction algorithms indicate this variant is likely to affect gene or protein function. Given the available evidence, this variant is classified as Likely Pathogenic.

Fulgent Genetics
Classification: Uncertain significance for Pontocerebellar hypoplasia type 6. Last evaluated: 2022-02-14. Review status: criteria provided, single submitter. Criteria: ACMG Guidelines, 2015. Collection method: clinical testing. Allele origin: unknown.

Myelin Disorders Clinic-Children's Medical Center/Medical Genetics Lab-Tarbiat Modares University, Children's Medical Center, Pediatrics Center of Excellence,
Classification: Uncertain significance for Pontocerebellar hypoplasia type 6. Review status: no assertion criteria provided. Collection method: clinical testing. Allele origin: inherited. Inheritance: Autosomal recessive inheritance. Affected: yes. Not counted in ClinVar's aggregate classification.

Literature cited by the submitters: PubMed 35468344 (cited by Natera, Inc.); PubMed 37597066 (cited by Natera, Inc.).

NM_020320.5(RARS2):c.1369G>A (p.Gly457Arg)

Gene: RARS2 (arginyl-tRNA synthetase 2, mitochondrial; minus strand). Cytogenetic location: 6q15.
Variant type: single nucleotide variant.
Coding change: c.1369G>A on transcript NM_020320.5 (MANE Select); coding-DNA position 1369, G replaced by A.
Protein change: p.Gly457Arg; replaces glycine 457 with arginine.
Molecular consequence: missense variant. On other transcripts: non-coding transcript variant (23).
Genome position (GRCh38, 1-based): chr6:87,518,676, C>T on the plus strand (G>A on the coding strand, the complement: RARS2 is on the minus strand). VCF-style: chr6-87518676-C-T. GRCh37 (hg19) VCF-style: chr6-88228394-C-T.
Other names: c.844G>A, p.Gly282Arg (NM_001318785.2, NM_001350506.2, NM_001350507.2 and 4 more transcripts); c.1369G>A, p.Gly457Arg (NM_001350505.2); c.1369G>A (NM_020320.4); short protein forms G457R, G282R.
Identifiers: ClinVar variation 976780 (VCV000976780.4), dbSNP rs758894784, ClinGen allele CA3916306.
Genomic context (GRCh38, chr6:87,518,676, plus strand): 5'-CAGCCTCTTCTCACCTGTGGAGGCGGGCGTGTGTGTACTGTAGGAAGACTCCTGTGTCCC[C>T]GCGACTCTGGAAAACACGATCCCAGCTGAACTTGTAGTCAGATAAGAGTAAACCTTTGAA-3'
Protein context (NP_064716.2, residues 447-467): FSWDRVFQSR[Gly457Arg]DTGVFLQYTH